The following is an entry in ClinVar:

ClinVar aggregate classification (germline): Pathogenic (1 of 4 stars; one submission).

Submission:

Labcorp Genetics (formerly Invitae), Labcorp
Classification: Pathogenic. Last evaluated: 2022-06-14. Review status: criteria provided, single submitter. Criteria: Invitae Variant Classification Sherloc (09022015). Collection method: clinical testing. Allele origin: germline.
Comment: For these reasons, this variant has been classified as Pathogenic. This sequence change replaces aspartic acid, which is acidic and polar, with glutamic acid, which is acidic and polar, at codon 1128 of the ABCA4 protein (p.Asp1128Glu). This variant is not present in population databases (gnomAD no frequency). A different variant (c.3384C>G) giving rise to the same protein effect has been determined to be pathogenic (PMID: 31736247, 32619608). This suggests that this variant is also likely to be causative of disease. Advanced modeling of protein sequence and biophysical properties (such as structural, functional, and spatial information, amino acid conservation, physicochemical variation, residue mobility, and thermodynamic stability) performed at Invitae indicates that this missense variant is expected to disrupt ABCA4 protein function.

Literature cited by the submitters: PubMed 31736247; PubMed 32619608.

NM_000350.3(ABCA4):c.3384C>A (p.Asp1128Glu)

Gene: ABCA4 (ATP binding cassette subfamily A member 4; minus strand). Cytogenetic location: 1p22.1.
Variant type: single nucleotide variant.
Coding change: c.3384C>A on transcript NM_000350.3 (MANE Select); coding-DNA position 3384, C replaced by A.
Protein change: p.Asp1128Glu; replaces aspartic acid 1128 with glutamic acid.
Molecular consequence: missense variant.
Genome position (GRCh38, 1-based): chr1:94,041,347, G>T on the plus strand (C>A on the coding strand, the complement: ABCA4 is on the minus strand). VCF-style: chr1-94041347-G-T. GRCh37 (hg19) VCF-style: chr1-94506903-G-T.
Other names: c.3162C>A, p.Asp1054Glu (NM_001425324.1); short protein forms D1128E, D1054E.
Identifiers: ClinVar variation 2006592 (VCV002006592.4), dbSNP rs369922919, ClinGen allele CA341291106.